The following is an entry in ClinVar:

ClinVar aggregate classification (germline): Uncertain significance (1 of 4 stars; one submission).

Submission:

Labcorp Genetics (formerly Invitae), Labcorp
Classification: Uncertain significance. Last evaluated: 2024-10-21. Review status: criteria provided, single submitter. Criteria: Invitae Variant Classification Sherloc (09022015). Collection method: clinical testing. Allele origin: germline.
Comment: This sequence change replaces arginine, which is basic and polar, with cysteine, which is neutral and slightly polar, at codon 73 of the SOX10 protein (p.Arg73Cys). This variant is not present in population databases (gnomAD no frequency). This variant has not been reported in the literature in individuals affected with SOX10-related conditions. Invitae Evidence Modeling of protein sequence and biophysical properties (such as structural, functional, and spatial information, amino acid conservation, physicochemical variation, residue mobility, and thermodynamic stability) indicates that this missense variant is not expected to disrupt SOX10 protein function with a negative predictive value of 95%. In summary, the available evidence is currently insufficient to determine the role of this variant in disease. Therefore, it has been classified as a Variant of Uncertain Significance.

NM_006941.4(SOX10):c.217C>T (p.Arg73Cys)

Genes: POLR2F (RNA polymerase II, I and III subunit F; plus strand), SOX10 (SRY-box transcription factor 10; minus strand). Cytogenetic location: 22q13.1.
Variant type: single nucleotide variant.
Coding change: c.217C>T on transcript NM_006941.4 (MANE Select); coding-DNA position 217, C replaced by T.
Protein change: p.Arg73Cys; replaces arginine 73 with cysteine.
Molecular consequence: missense variant. On other transcripts: intron variant (3).
Genome position (GRCh38, 1-based): chr22:37,983,568, G>A on the plus strand (C>T on the coding strand, the complement: SOX10 is on the minus strand). VCF-style: chr22-37983568-G-A. GRCh37 (hg19) VCF-style: chr22-38379575-G-A.
Other names: c.*38+11258G>A (NM_001363825.1); c.294-2586G>A (NM_001301130.2); c.293+16398G>A (NM_001301131.2); short protein forms R73C.
Identifiers: ClinVar variation 3720127 (VCV003720127.2).